The following is an entry in ClinVar:

ClinVar aggregate classification (germline): Uncertain significance (1 of 4 stars; one submission).

Conditions:
Developmental and epileptic encephalopathy, 32 (DEE32). Also called: Epileptic encephalopathy, early infantile, 32. Identifiers: Orphanet 442835, MedGen C4225350, MONDO:0014607, OMIM 616366.

Submission:

Labcorp Genetics (formerly Invitae), Labcorp
Classification: Uncertain significance for Developmental and epileptic encephalopathy, 32. Last evaluated: 2024-07-19. Review status: criteria provided, single submitter. Criteria: Invitae Variant Classification Sherloc (09022015). Collection method: clinical testing. Allele origin: germline.
Comment: This sequence change replaces tryptophan, which is neutral and slightly polar, with cysteine, which is neutral and slightly polar, at codon 232 of the KCNA2 protein (p.Trp232Cys). This variant is not present in population databases (gnomAD no frequency). This variant has not been reported in the literature in individuals affected with KCNA2-related conditions. Advanced modeling of protein sequence and biophysical properties (such as structural, functional, and spatial information, amino acid conservation, physicochemical variation, residue mobility, and thermodynamic stability) performed at Invitae indicates that this missense variant is expected to disrupt KCNA2 protein function with a positive predictive value of 80%. In summary, the available evidence is currently insufficient to determine the role of this variant in disease. Therefore, it has been classified as a Variant of Uncertain Significance.

NM_004974.4(KCNA2):c.696G>C (p.Trp232Cys)

Gene: KCNA2 (potassium voltage-gated channel subfamily A member 2; minus strand). Cytogenetic location: 1p13.3.
Variant type: single nucleotide variant.
Coding change: c.696G>C on transcript NM_004974.4 (MANE Select); coding-DNA position 696, G replaced by C.
Protein change: p.Trp232Cys; replaces tryptophan 232 with cysteine.
Molecular consequence: missense variant.
Genome position (GRCh38, 1-based): chr1:110,604,087, C>G on the plus strand (G>C on the coding strand, the complement: KCNA2 is on the minus strand). VCF-style: chr1-110604087-C-G. GRCh37 (hg19) VCF-style: chr1-111146709-C-G.
Other names: c.696G>C, p.Trp232Cys (NM_001204269.2); short protein forms W232C.
Identifiers: ClinVar variation 3647792 (VCV003647792.2).